The following is an entry in ClinVar:

NM_000038.6(APC):c.4323A>T (p.Pro1441=)

Gene: APC (APC regulator of Wnt signaling pathway; plus strand). Cytogenetic location: 5q22.2.
Variant type: single nucleotide variant.
Coding change: c.4323A>T on transcript NM_000038.6 (MANE Select); coding-DNA position 4323, A replaced by T.
Protein change: p.Pro1441=; no amino-acid change (proline 1441 retained).
Molecular consequence: synonymous variant.
Genome position (GRCh38, 1-based): chr5:112,839,917, A>T. VCF-style: chr5-112839917-A-T. GRCh37 (hg19) VCF-style: chr5-112175614-A-T.
Other names: c.4323A>T, p.Pro1441= (NM_001127510.3, NM_001354895.2); c.4269A>T, p.Pro1423= (NM_001127511.3); c.4377A>T, p.Pro1459= (NM_001354896.2); c.4353A>T, p.Pro1451= (NM_001354897.2); c.4248A>T, p.Pro1416= (NM_001354898.2); c.4239A>T, p.Pro1413= (NM_001354899.2); c.4200A>T, p.Pro1400= (NM_001354900.2); c.4146A>T, p.Pro1382= (NM_001354901.2); and 5 more.
Identifiers: ClinVar variation 490275 (VCV000490275.16), dbSNP rs923560245, ClinGen allele CA125167784.

ClinVar aggregate classification (germline): Benign/Likely benign. Review status: criteria provided, multiple submitters, no conflicts (2 of 4 stars). 5 submissions from 5 submitters: Benign (1); Likely benign (4). Last evaluated 2025-05-04.

Conditions:
Familial adenomatous polyposis 1 (FAP1). Also called: POLYPOSIS, ADENOMATOUS INTESTINAL; FAMILIAL ADENOMATOUS POLYPOSIS 1, ATTENUATED. Identifiers: MedGen C2713442, MONDO:0021056, OMIM 175100. Disease mechanism: loss of function.
Hereditary cancer-predisposing syndrome. Also called: Hereditary Cancer Syndrome; Neoplastic Syndromes, Hereditary; Tumor predisposition; Hereditary neoplastic syndrome. Identifiers: Orphanet 140162, MedGen C0027672, MeSH D009386, MONDO:0015356.

Allele frequency attached by ClinVar (database versions not stated): TOPMed 0.00001.

Submissions (5):

Labcorp Genetics (formerly Invitae), Labcorp
Classification: Likely benign for Familial adenomatous polyposis 1. Last evaluated: 2025-05-04. Review status: criteria provided, single submitter. Criteria: Invitae Variant Classification Sherloc (09022015). Collection method: clinical testing. Allele origin: germline.

Quest Diagnostics Nichols Institute San Juan Capistrano
Classification: Likely benign. Last evaluated: 2025-03-10. Review status: criteria provided, single submitter. Criteria: Quest Diagnostics criteria. Collection method: clinical testing. Allele origin: unknown.

Myriad Genetics, Inc.
Classification: Benign for Familial adenomatous polyposis 1. Last evaluated: 2024-03-26. Review status: criteria provided, single submitter. Criteria: Myriad Autosomal Dominant, Autosomal Recessive and X-Linked Classification Criteria (2023). Collection method: clinical testing. Allele origin: unknown.
Comment: This variant is considered benign. This variant is a silent/synonymous amino acid change and it is not expected to impact splicing.

Ambry Genetics
Classification: Likely benign for Hereditary cancer-predisposing syndrome. Last evaluated: 2021-03-08. Review status: criteria provided, single submitter. Criteria: Ambry Variant Classification Scheme 2023. Collection method: clinical testing. Allele origin: germline.

Color Diagnostics, LLC DBA Color Health
Classification: Likely benign for Hereditary cancer-predisposing syndrome. Last evaluated: 2017-09-14. Review status: criteria provided, single submitter. Criteria: ACMG Guidelines, 2015. Collection method: clinical testing. Allele origin: germline.